The following is an entry in ClinVar:

Single allele

Variant type: Deletion.
Identifiers: ClinVar variation 156991 (VCV000156991.2).

ClinVar aggregate classification (germline): not provided (0 of 4 stars; one submission).

Conditions:
Small for gestational age. Also called: Low birth weight. Identifiers: MedGen C0235991, HP:0001518.

Submission:

Institute of Molecular and Cell Biology, University of Tartu
No classification provided. Condition: Small for gestational age. Review status: no classification provided. Collection method: case-control. Allele origin: unknown. Affected: yes. Study: Kasak2014.
Comment: The study aimed to determine the contribution of copy number variants in the genetic etiology of normal and complicated pregnancies. The samples represented (i) maternal blood DNA drawn from healthy pregnant women during 1st or 2nd trimester and (ii) maternal and paternal blood DNA drawn at term pregnancy cases representing normal and complicated gestations (severe preeclampsia, PE; gestational diabetes, GD; small-for-gestational age newborn, SGA; large-for-gestational age newborn, LGA). We performed CNV calling based on genome-wide genotyping dataset (Illumina HumanOmniExpress-24-v1 BeadChip) by applying three algorithms, QuantiSNP, GADA (Genome Alteration Detection Algorithm) and CNstream in parallel. The acquired CNV calls were merged with HD-CNV (Hotspot Detector for Copy Number Variants) program and only the CNVs predicted by at least two programs, were considered in subsequent analysis.

Literature cited by the submitters: PubMed 25666259.